The following is an entry in ClinVar:

NM_001276345.2(TNNT2):c.163+3_163+6del

Gene: TNNT2 (troponin T2, cardiac type; minus strand). Cytogenetic location: 1q32.1.
Variant type: Deletion.
Coding change: c.163+3_163+6del on transcript NM_001276345.2 (MANE Select); bases 3 to 6 of the intron after coding-DNA position 163, 4 bases deleted (AAGT; older notation c.163+3_163+6delAAGT).
Molecular consequence: splice donor variant.
Genome position (GRCh38, 1-based): chr1:201,368,156-201,368,159, ACTT deleted on the plus strand (AAGT on the coding strand, the reverse complement: TNNT2 is on the minus strand); deleting any 4 consecutive bases within chr1:201,368,156-201,368,161 gives the same sequence; the c. name uses the placement nearest the transcript's 3' end. VCF-style (leftmost placement, unchanged base first): chr1-201368155-GACTT-G. GRCh37 (hg19) VCF-style: chr1-201337283-GACTT-G.
Other names: c.133+3_133+6del (NM_001406727.1, NM_001406724.1, NM_001406725.1 and 4 more transcripts); c.118+3_118+6del (NM_001001432.3, NM_001406728.1); c.163+3_163+6del (NM_001276346.2, NM_000364.4, NM_001406723.1).
Identifiers: ClinVar variation 3072234 (VCV003072234.1), dbSNP rs2527078780, ClinGen allele CA2825000908.
Genomic context (GRCh38, chr1:201,368,155, plus strand): 5'-CCTCAGGAATGGCTCCAGGGGCTCTCGCCACCCCCTGAGGCCCCTGCACCCTCAACCAGA[GACTT>G]ACCTTCTGCCCTGGTCTCCTCGGTCTCAGCCTCTGCTTCAGCATCCTCTTCCGCTGCCTC-3'

ClinVar aggregate classification (germline): Uncertain significance (1 of 4 stars; one submission).

Conditions:
Cardiomyopathy (CMYO). Also called: Cardiomyopathies. Identifiers: Orphanet 167848, MedGen C0878544, MONDO:0004994, HP:0001638. Inheritance: Various modes of inheritance.

Submission:

All of Us Research Program, National Institutes of Health
Classification: Uncertain significance for Cardiomyopathy. Last evaluated: 2023-06-26. Review status: criteria provided, single submitter. Criteria: ACMG Guidelines, 2015. Collection method: clinical testing. Allele origin: germline. Inheritance: Autosomal dominant inheritance. Observed: 1 variant allele, 1 heterozygote.
Comment: This variant deletes four nucleotides in the intron 5 splice acceptor site of the TNNT2 gene. Splice site prediction tools predict that this variant may have a significant impact on RNA splicing. To our knowledge, functional studies have not been reported for this variant. This variant has not been reported in individuals affected with TNNT2-related disorders in the literature. This variant has not been identified in the general population by the Genome Aggregation Database (gnomAD). The available evidence is insufficient to determine the role of this variant in disease conclusively. Therefore, this variant is classified as a Variant of Uncertain Significance.

This study involves interpretation of variants in research participants for the purpose of population health screening. Participant phenotype was not available at the time of variant classification. Additional details can be found in publication PMID: 35346344, PMCID: PMC8962531